The following is an entry in ClinVar:

NM_194248.3(OTOF):c.3734-10A>C

Gene: OTOF (otoferlin; minus strand). Cytogenetic location: 2p23.3.
Variant type: single nucleotide variant.
Coding change: c.3734-10A>C on transcript NM_194248.3 (MANE Select); 10 bases into the intron before coding-DNA position 3734, A replaced by C.
Molecular consequence: intron variant.
Genome position (GRCh38, 1-based): chr2:26,472,659, T>G on the plus strand (A>C on the coding strand, the complement: OTOF is on the minus strand). VCF-style: chr2-26472659-T-G. GRCh37 (hg19) VCF-style: chr2-26695527-T-G.
Other names: c.3734-10A>C (NM_001287489.2); c.1493-70A>C (NM_194323.3, NM_004802.4); c.1664-10A>C (NM_194322.3).
Identifiers: ClinVar variation 48223 (VCV000048223.22), dbSNP rs73920284, ClinGen allele CA142867.
Genomic context (GRCh38, chr2:26,472,659, plus strand): 5'-GAGAGGAGGAGCCCCCATTGCACAGCACACGGCAGCGCCGGAGAAGCCTGACTGGACAGA[T>G]GGATAGATGGACAGACAGGCAGAGGAAGGAGCAAGAGGAACAGTGAGATTGGCGGGGCAG-3'

ClinVar aggregate classification (germline): Conflicting classifications of pathogenicity. Review status: criteria provided, conflicting classifications (1 of 4 stars). 6 submissions from 6 submitters: Uncertain significance (1); Benign (4); Likely benign (1). Last evaluated 2026-01-31.

Conditions:
Autosomal recessive nonsyndromic hearing loss 9. Also called: NEUROSENSORY NONSYNDROMIC RECESSIVE DEAFNESS 9; AUDITORY NEUROPATHY, AUTOSOMAL RECESSIVE, 1, TEMPERATURE-SENSITIVE; OTOF-Related Hearing Loss; Deafness, autosomal recessive 9. Identifiers: Orphanet 90636, MedGen C1832828, MONDO:0010986, OMIM 601071.

Allele frequency attached by ClinVar (database versions not stated): gnomAD exomes 0.00024 and 0.00069; ExAC 0.00101; gnomAD 0.00297; TOPMed 0.00301; ESP Exome Variant Server 0.00315; 1000 Genomes Project 0.00539; 1000 Genomes Project 30x 0.00578.
gnomAD v4.1: 785 of 1,612,350 alleles (0.049%); highest among the groups gnomAD compares: African/African-American, 0.97%; 5 homozygotes.

Submissions (6):

Labcorp Genetics (formerly Invitae), Labcorp
Classification: Benign. Last evaluated: 2026-01-31. Review status: criteria provided, single submitter. Criteria: Invitae Variant Classification Sherloc (09022015). Collection method: clinical testing. Allele origin: germline.

Blueprint Genetics
Classification: Likely benign. Last evaluated: 2024-09-23. Review status: criteria provided, single submitter. Criteria: ACMG Guidelines, 2015. Collection method: clinical testing. Allele origin: germline.

GeneDx
Classification: Benign. Last evaluated: 2020-02-04. Review status: criteria provided, single submitter. Criteria: GeneDx Variant Classification Process June 2021. Collection method: clinical testing. Allele origin: germline. Affected: yes.

Illumina Laboratory Services, Illumina
Classification: Uncertain significance for Autosomal recessive nonsyndromic hearing loss 9. Last evaluated: 2018-01-12. Review status: criteria provided, single submitter. Criteria: ICSL Variant Classification Criteria 13 December 2019. Collection method: clinical testing. Allele origin: germline.

Laboratory for Molecular Medicine, Mass General Brigham Personalized Medicine
Classification: Benign. Last evaluated: 2016-06-02. Review status: criteria provided, single submitter. Criteria: LMM Criteria. Collection method: clinical testing. Allele origin: germline. Observed: 2 variant alleles.
Comment: c.3734-10A>C in intron 30 of OTOF: This variant is not expected to have clinical significance because it has been identified in 1.1% (106/9424) of African chrom osomes by the Exome Aggregation Consortium (ExAC ; dbSNP rs73920284).

Eurofins Ntd Llc (ga)
Classification: Benign. Last evaluated: 2016-02-26. Review status: criteria provided, single submitter. Criteria: EGL Classification Definitions 2015. Collection method: clinical testing. Allele origin: germline. Observed: 1 variant allele, 1 heterozygote.